The following is an entry in ClinVar:

NM_004655.4(AXIN2):c.2183C>G (p.Ala728Gly)

Gene: AXIN2 (axin 2; minus strand). Cytogenetic location: 17q24.1.
Variant type: single nucleotide variant.
Coding change: c.2183C>G on transcript NM_004655.4 (MANE Select); coding-DNA position 2183, C replaced by G.
Protein change: p.Ala728Gly; replaces alanine 728 with glycine.
Molecular consequence: missense variant.
Genome position (GRCh38, 1-based): chr17:65,535,680, G>C on the plus strand (C>G on the coding strand, the complement: AXIN2 is on the minus strand). VCF-style: chr17-65535680-G-C. GRCh37 (hg19) VCF-style: chr17-63531798-G-C.
Other names: c.1988C>G, p.Ala663Gly (NM_001363813.1); c.2183C>G (NM_004655.3); short protein forms A663G, A728G.
Identifiers: ClinVar variation 1404901 (VCV001404901.9), dbSNP rs762001576, ClinGen allele CA8718384.

ClinVar aggregate classification (germline): Uncertain significance. Review status: criteria provided, multiple submitters, no conflicts (2 of 4 stars). 2 submissions from 2 submitters: Uncertain significance (2). Last evaluated 2024-11-16.

Conditions:
Hereditary cancer-predisposing syndrome. Also called: Hereditary neoplastic syndrome; Hereditary Cancer Syndrome; Neoplastic Syndromes, Hereditary; Tumor predisposition. Identifiers: Orphanet 140162, MedGen C0027672, MeSH D009386, MONDO:0015356.
Oligodontia-cancer predisposition syndrome. Also called: TOOTH AGENESIS-COLORECTAL CANCER SYNDROME. Identifiers: Orphanet 300576, MedGen C1837750, MONDO:0012075, OMIM 608615. Disease mechanism: loss of function.

Allele frequency attached by ClinVar (database versions not stated): ExAC 0.00001.
gnomAD v4.1: 1 of 1,614,150 alleles (0.000062%); no homozygotes.

Submissions (2):

Ambry Genetics
Classification: Uncertain significance for Hereditary cancer-predisposing syndrome. Last evaluated: 2024-11-16. Review status: criteria provided, single submitter. Criteria: Ambry Variant Classification Scheme 2023. Collection method: clinical testing. Allele origin: germline.
Comment: The p.A728G variant (also known as c.2183C>G), located in coding exon 8 of the AXIN2 gene, results from a C to G substitution at nucleotide position 2183. The alanine at codon 728 is replaced by glycine, an amino acid with similar properties. This amino acid position is conserved. In addition, this alteration is predicted to be tolerated by in silico analysis. Based on the available evidence, the clinical significance of this variant remains unclear.

Labcorp Genetics (formerly Invitae), Labcorp
Classification: Uncertain significance for Oligodontia-cancer predisposition syndrome. Last evaluated: 2021-01-21. Review status: criteria provided, single submitter. Criteria: Invitae Variant Classification Sherloc (09022015). Collection method: clinical testing. Allele origin: germline.
Comment: In summary, the available evidence is currently insufficient to determine the role of this variant in disease. Therefore, it has been classified as a Variant of Uncertain Significance. Algorithms developed to predict the effect of missense changes on protein structure and function output the following: SIFT: "Deleterious"; PolyPhen-2: "Benign"; Align-GVGD: "Class C0". The glycine amino acid residue is found in multiple mammalian species, suggesting that this missense change does not adversely affect protein function. These predictions have not been confirmed by published functional studies and their clinical significance is uncertain. This variant has not been reported in the literature in individuals with AXIN2-related conditions. This variant is present in population databases (rs762001576, ExAC no frequency). This sequence change replaces alanine with glycine at codon 728 of the AXIN2 protein (p.Ala728Gly). The alanine residue is weakly conserved and there is a small physicochemical difference between alanine and glycine.